The following is an entry in ClinVar:

NM_000153.4(GALC):c.32A>G (p.Gln11Arg)

Gene: GALC (galactosylceramidase; minus strand). Cytogenetic location: 14q31.3.
Variant type: single nucleotide variant.
Coding change: c.32A>G on transcript NM_000153.4 (MANE Select); coding-DNA position 32, A replaced by G.
Protein change: p.Gln11Arg; replaces glutamine 11 with arginine.
Molecular consequence: missense variant. On other transcripts: intron variant (1).
Genome position (GRCh38, 1-based): chr14:87,993,133, T>C on the plus strand (A>G on the coding strand, the complement: GALC is on the minus strand). VCF-style: chr14-87993133-T-C. GRCh37 (hg19) VCF-style: chr14-88459477-T-C.
Other names: c.32A>G, p.Gln11Arg (NM_001201401.2); c.117+250A>G (NM_001201402.2); short protein forms Q11R.
Identifiers: ClinVar variation 1347053 (VCV001347053.6), dbSNP rs2139769922, ClinGen allele CA390772059.

ClinVar aggregate classification (germline): Uncertain significance (1 of 4 stars; one submission).

Conditions:
Galactosylceramide beta-galactosidase deficiency. Also called: Krabbe Disease; Leukodystrophy, Globoid Cell; GALACTOCEREBROSIDASE DEFICIENCY; GALC DEFICIENCY; GLOBOID CELL LEUKOENCEPHALOPATHY. Identifiers: Orphanet 487, MedGen C0023521, MONDO:0009499, OMIM 245200.

Submission:

Labcorp Genetics (formerly Invitae), Labcorp
Classification: Uncertain significance for Galactosylceramide beta-galactosidase deficiency. Last evaluated: 2021-12-03. Review status: criteria provided, single submitter. Criteria: Invitae Variant Classification Sherloc (09022015). Collection method: clinical testing. Allele origin: germline.
Comment: This sequence change replaces glutamine, which is neutral and polar, with arginine, which is basic and polar, at codon 11 of the GALC protein (p.Gln11Arg). This variant is not present in population databases (gnomAD no frequency). This variant has not been reported in the literature in individuals affected with GALC-related conditions. Advanced modeling of protein sequence and biophysical properties (such as structural, functional, and spatial information, amino acid conservation, physicochemical variation, residue mobility, and thermodynamic stability) performed at Invitae indicates that this missense variant is not expected to disrupt GALC protein function. In summary, the available evidence is currently insufficient to determine the role of this variant in disease. Therefore, it has been classified as a Variant of Uncertain Significance.